The following is an entry in ClinVar:

NM_000328.3(RPGR):c.2304G>A (p.Pro768=)

Gene: RPGR (retinitis pigmentosa GTPase regulator; minus strand). Cytogenetic location: Xp11.4.
Variant type: single nucleotide variant.
Coding change: c.2304G>A on transcript NM_000328.3; coding-DNA position 2304, G replaced by A.
Protein change: p.Pro768=; no amino-acid change (proline 768 retained).
Molecular consequence: synonymous variant. On other transcripts: non-coding transcript variant (6).
Genome position (GRCh38, 1-based): chrX:38,269,770, C>T on the plus strand (G>A on the coding strand, the complement: RPGR is on the minus strand). VCF-style: chrX-38269770-C-T. GRCh37 (hg19) VCF-style: chrX-38129023-C-T.
Other names: c.2301G>A, p.Pro767= (NM_001367245.1); c.2118G>A, p.Pro706= (NM_001367246.1); c.1971G>A, p.Pro657= (NM_001367247.1); c.2001G>A, p.Pro667= (NM_001367248.1); c.1968G>A, p.Pro656= (NM_001367249.1, NM_001367250.1); c.1785G>A, p.Pro595= (NM_001367251.1).
Identifiers: ClinVar variation 1335760 (VCV001335760.39), dbSNP rs781426804, ClinGen allele CA10385041.

ClinVar aggregate classification (germline): Likely benign. Review status: criteria provided, multiple submitters, no conflicts (2 of 4 stars). 4 submissions from 4 submitters: Likely benign (4). Last evaluated 2025-06-14.

Conditions:
Primary ciliary dyskinesia. Also called: Ciliary dyskinesia. Identifiers: Orphanet 244, MedGen C0008780, MONDO:0016575, HP:0012265.
RPGR-related disorder. Also called: RPGR-related condition.

Allele frequency attached by ClinVar (database versions not stated): TOPMed below 0.00001; ExAC 0.00001; gnomAD 0.00001; gnomAD exomes 0.00001.
gnomAD v4.1: 18 of 1,207,646 alleles (0.0015%); highest among the groups gnomAD compares: Non-Finnish European, 0.0019%; no homozygotes.

Submissions (4):

PreventionGenetics, part of Exact Sciences
Classification: Likely benign for RPGR-related condition. Last evaluated: 2025-06-14. Review status: criteria provided, single submitter. Criteria: ACMG Guidelines, 2015. Collection method: clinical testing. Allele origin: germline.
Comment: This variant is classified as likely benign based on ACMG/AMP sequence variant interpretation guidelines (Richards et al. 2015 PMID: 25741868, with internal and published modifications).

Labcorp Genetics (formerly Invitae), Labcorp
Classification: Likely benign for Primary ciliary dyskinesia. Last evaluated: 2023-07-03. Review status: criteria provided, single submitter. Criteria: Invitae Variant Classification Sherloc (09022015). Collection method: clinical testing. Allele origin: germline.

CeGaT Center for Human Genetics Tuebingen
Classification: Likely benign. Last evaluated: 2021-12-01. Review status: criteria provided, single submitter. Criteria: CeGaT Center For Human Genetics Tuebingen Variant Classification Criteria Version 2. Collection method: clinical testing. Allele origin: germline. Affected: yes. Observed: 1 variant allele.

Ambry Genetics
Classification: Likely benign for Primary ciliary dyskinesia. Last evaluated: 2021-06-23. Review status: criteria provided, single submitter. Criteria: Ambry Variant Classification Scheme 2023. Collection method: clinical testing. Allele origin: germline.